The following is an entry in ClinVar:

NM_002474.3(MYH11):c.1285T>C (p.Tyr429His)

Gene: MYH11 (myosin heavy chain 11; minus strand). Cytogenetic location: 16p13.11.
Variant type: single nucleotide variant.
Coding change: c.1285T>C on transcript NM_002474.3 (MANE Select); coding-DNA position 1285, T replaced by C.
Protein change: p.Tyr429His; replaces tyrosine 429 with histidine.
Molecular consequence: missense variant.
Genome position (GRCh38, 1-based): chr16:15,759,692, A>G on the plus strand (T>C on the coding strand, the complement: MYH11 is on the minus strand). VCF-style: chr16-15759692-A-G. GRCh37 (hg19) VCF-style: chr16-15853549-A-G.
Other names: c.1306T>C, p.Tyr436His (NM_001040113.2, NM_001040114.2); c.1285T>C, p.Tyr429His (NM_022844.3); short protein forms Y429H, Y436H.
Identifiers: ClinVar variation 629426 (VCV000629426.6), dbSNP rs1567736079, ClinGen allele CA394872610.

ClinVar aggregate classification (germline): Uncertain significance. Review status: criteria provided, multiple submitters, no conflicts (2 of 4 stars). 2 submissions from 2 submitters: Uncertain significance (2). Last evaluated 2024-11-04.

Conditions:
Familial thoracic aortic aneurysm and aortic dissection (TAAD). Also called: Thoracic aortic aneurysms and dissections. Identifiers: Orphanet 91387, MedGen C4707243, MONDO:0019625.

Allele frequency attached by ClinVar (database versions not stated): gnomAD exomes below 0.00001.
gnomAD v4.1: 1 of 1,614,182 alleles (0.000062%); highest among the groups gnomAD compares: Non-Finnish European, 0.000085%; no homozygotes.

Submissions (2):

Women's Health and Genetics/Laboratory Corporation of America, LabCorp
Classification: Uncertain significance. Last evaluated: 2024-11-04. Review status: criteria provided, single submitter. Criteria: LabCorp Variant Classification Summary - May 2015. Collection method: clinical testing. Allele origin: germline.

Color Diagnostics, LLC DBA Color Health
Classification: Uncertain significance for Familial thoracic aortic aneurysm and aortic dissection. Last evaluated: 2024-03-06. Review status: criteria provided, single submitter. Criteria: ACMG Guidelines, 2015. Collection method: clinical testing. Allele origin: germline.
Comment: This missense variant replaces tyrosine with histidine at codon 436 of the MYH11 protein. Computational prediction suggests that this variant may have deleterious impact on protein structure and function (internally defined REVEL score threshold >= 0.7, PMID: 27666373). To our knowledge, functional studies have not been reported for this variant. This variant has not been reported in individuals affected with cardiovascular disorders in the literature. This variant has not been identified in the general population by the Genome Aggregation Database (gnomAD). The available evidence is insufficient to determine the role of this variant in disease conclusively. Therefore, this variant is classified as a Variant of Uncertain Significance.